The following is an entry in ClinVar:

NM_001003787.4(STRADA):c.992C>A (p.Thr331Asn)

Gene: STRADA (STE20 related adaptor alpha; minus strand). Cytogenetic location: 17q23.3.
Variant type: single nucleotide variant.
Coding change: c.992C>A on transcript NM_001003787.4 (MANE Select); coding-DNA position 992, C replaced by A.
Protein change: p.Thr331Asn; replaces threonine 331 with asparagine.
Molecular consequence: missense variant. On other transcripts: non-coding transcript variant (1).
Genome position (GRCh38, 1-based): chr17:63,704,449, G>T on the plus strand (C>A on the coding strand, the complement: STRADA is on the minus strand). VCF-style: chr17-63704449-G-T. GRCh37 (hg19) VCF-style: chr17-61781809-G-T.
Other names: c.881C>A, p.Thr294Asn (NM_001003786.3, NM_001363789.1, NM_153335.6); c.818C>A, p.Thr273Asn (NM_001003788.3, NM_001363790.1, NM_001363791.1); c.905C>A, p.Thr302Asn (NM_001165969.2, NM_001363787.1); c.860C>A, p.Thr287Asn (NM_001165970.2); c.968C>A, p.Thr323Asn (NM_001363786.1); c.992C>A, p.Thr331Asn (NM_001363788.1); short protein forms T331N, T294N, T273N, T302N, T287N, T323N.
Identifiers: ClinVar variation 573381 (VCV000573381.8), dbSNP rs539671529, ClinGen allele CA8703168.
Genomic context (GRCh38, chr17:63,704,449, plus strand): 5'-TGGGGGGAGAAGGTTCGGTGGTAGGGGTGGGAGGGCGAGTCACCGTTGGAGGGCCGGGGG[G>T]TGCTGGTGGTCAGGCTGTCACTCAGGCCAGAGTTGGCCACTGAGCGCGAAGGGCTCATGG-3'
Protein context (NP_001003787.1, residues 321-341): SGLSDSLTTS[Thr331Asn]PRPSNGDSPS

ClinVar aggregate classification (germline): Conflicting classifications of pathogenicity. Review status: criteria provided, conflicting classifications (1 of 4 stars). 2 submissions from 2 submitters: Uncertain significance (1); Likely benign (1). Last evaluated 2024-10-24.

Conditions:
Polyhydramnios, megalencephaly, and symptomatic epilepsy (PMSE). Also called: PMSE SYNDROME. Identifiers: Orphanet 500533, MedGen C1970203, MONDO:0012611, OMIM 611087.

Allele frequency attached by ClinVar (database versions not stated): TOPMed 0.00003; 1000 Genomes Project 30x 0.00016; 1000 Genomes Project 0.00020.
gnomAD v4.1: 105 of 1,612,996 alleles (0.0065%); highest among the groups gnomAD compares: South Asian, 0.094%; no homozygotes.

Submissions (2):

Labcorp Genetics (formerly Invitae), Labcorp
Classification: Uncertain significance for Polyhydramnios, megalencephaly, and symptomatic epilepsy. Last evaluated: 2024-10-24. Review status: criteria provided, single submitter. Criteria: Invitae Variant Classification Sherloc (09022015). Collection method: clinical testing. Allele origin: germline.
Comment: This sequence change replaces threonine, which is neutral and polar, with asparagine, which is neutral and polar, at codon 331 of the STRADA protein (p.Thr331Asn). This variant is present in population databases (rs539671529, gnomAD 0.07%). This variant has not been reported in the literature in individuals affected with STRADA-related conditions. ClinVar contains an entry for this variant (Variation ID: 573381). An algorithm developed to predict the effect of missense changes on protein structure and function outputs the following: PolyPhen-2: "Benign". The asparagine amino acid residue is found in multiple mammalian species, which suggests that this missense change does not adversely affect protein function. In summary, the available evidence is currently insufficient to determine the role of this variant in disease. Therefore, it has been classified as a Variant of Uncertain Significance.

3billion
Classification: Likely benign for Polyhydramnios, megalencephaly, and symptomatic epilepsy. Last evaluated: 2024-09-20. Review status: criteria provided, single submitter. Criteria: ACMG Guidelines, 2015. Collection method: clinical testing. Allele origin: germline. Affected: no.
Comment: The homozygous variant was found in patients diagnosed with another variant in a different gene, with no symptoms related to the gene containing the homozygous variant.